The following is an entry in ClinVar:

ClinVar aggregate classification (germline): Conflicting classifications of pathogenicity. Review status: criteria provided, conflicting classifications (1 of 4 stars). 2 submissions from 2 submitters: Uncertain significance (1); Likely benign (1). Last evaluated 2026-07-02.

Conditions:
Cardiovascular phenotype. Identifiers: MedGen CN230736.
Hypercholesterolemia, autosomal dominant, type B (FHCL2). Also called: Familial Hypercholesterolemia Type B; Hyperlipoproteinemia Type IIb; APOLIPOPROTEIN B-100, FAMILIAL DEFECTIVE; APOLIPOPROTEIN B-100, FAMILIAL LIGAND-DEFECTIVE; HYPERCHOLESTEROLEMIA, FAMILIAL, DUE TO LIGAND-DEFECTIVE APOLIPOPROTEIN B; Familial hypercholesterolemia 2. Identifiers: MedGen C1704417, MONDO:0007751, OMIM 144010.
Familial hypobetalipoproteinemia 1. Also called: APOB-Related Familial Hypobetalipoproteinemia; Hypobetalipoproteinemia, normotriglyceridemic; Acanthocytosis with hypobetalipoproteinemia. Identifiers: MedGen C4551990, MONDO:0014252, OMIM 615558.

Allele frequency attached by ClinVar (database versions not stated): ExAC 0.00001; TOPMed 0.00002; ESP Exome Variant Server 0.00008; gnomAD exomes 0.00001 and below 0.00001.
gnomAD v4.1: 1 of 1,614,074 alleles (0.000062%); highest among the groups gnomAD compares: African/African-American, 0.0013%; no homozygotes.

Submissions (2):

Ambry Genetics
Classification: Uncertain significance for Cardiovascular phenotype. Last evaluated: 2026-07-02. Review status: criteria provided, single submitter. Criteria: Ambry Variant Classification Scheme 2023. Collection method: clinical testing. Allele origin: germline.
Comment: The p.F190L variant (also known as c.568T>C), located in coding exon 6 of the APOB gene, results from a T to C substitution at nucleotide position 568. The phenylalanine at codon 190 is replaced by leucine, an amino acid with highly similar properties. This amino acid position is conserved. In addition, this alteration is predicted to be tolerated by in silico analysis. Based on the available evidence, the clinical significance of this variant remains unclear.

Labcorp Genetics (formerly Invitae), Labcorp
Classification: Likely benign for Familial hypobetalipoproteinemia 1; Hypercholesterolemia, autosomal dominant, type B. Last evaluated: 2022-03-02. Review status: criteria provided, single submitter. Criteria: Invitae Variant Classification Sherloc (09022015). Collection method: clinical testing. Allele origin: germline.

NM_000384.3(APOB):c.568T>C (p.Phe190Leu)

Gene: APOB (apolipoprotein B; minus strand). Cytogenetic location: 2p24.1.
Variant type: single nucleotide variant.
Coding change: c.568T>C on transcript NM_000384.3 (MANE Select); coding-DNA position 568, T replaced by C.
Protein change: p.Phe190Leu; replaces phenylalanine 190 with leucine.
Molecular consequence: missense variant.
Genome position (GRCh38, 1-based): chr2:21,037,225, A>G on the plus strand (T>C on the coding strand, the complement: APOB is on the minus strand). VCF-style: chr2-21037225-A-G. GRCh37 (hg19) VCF-style: chr2-21260097-A-G.
Other names: c.568T>C (NM_000384.2); short protein forms F190L.
Identifiers: ClinVar variation 1347352 (VCV001347352.9), dbSNP rs368963323, ClinGen allele CA062337.